The following is an entry in ClinVar:

NM_006767.4(LZTR1):c.1702C>T (p.Gln568Ter)

Gene: LZTR1 (leucine zipper like post translational regulator 1; plus strand). Cytogenetic location: 22q11.21.
Variant type: single nucleotide variant.
Coding change: c.1702C>T on transcript NM_006767.4 (MANE Select); coding-DNA position 1702, C replaced by T.
Protein change: p.Gln568Ter; replaces glutamine 568 with a stop codon.
Molecular consequence: nonsense.
Genome position (GRCh38, 1-based): chr22:20,994,644, C>T. VCF-style: chr22-20994644-C-T. GRCh37 (hg19) VCF-style: chr22-21348933-C-T.
Other names: short protein forms Q568*.
Identifiers: ClinVar variation 1803401 (VCV001803401.4), dbSNP rs1924756229, ClinGen allele CA410777893.

ClinVar aggregate classification (germline): Pathogenic/Likely pathogenic. Review status: criteria provided, multiple submitters, no conflicts (2 of 4 stars). 3 submissions from 3 submitters: Pathogenic (1); Likely pathogenic (2). Last evaluated 2025-10-13.

Conditions:
LZTR1-related schwannomatosis. Also called: Schwannomatosis 2; Schwannomatosis-2, susceptibility to. Identifiers: Orphanet 93921, MedGen C3810283, MONDO:0014299, OMIM 615670.

Allele frequency attached by ClinVar (database versions not stated): gnomAD exomes 0.00001.
gnomAD v4.1: 3 of 1,612,936 alleles (0.00019%); highest among the groups gnomAD compares: South Asian, 0.0033%; no homozygotes.

Submissions (3):

Labcorp Genetics (formerly Invitae), Labcorp
Classification: Pathogenic. Last evaluated: 2025-10-13. Review status: criteria provided, single submitter. Criteria: Invitae Variant Classification Sherloc (09022015). Collection method: clinical testing. Allele origin: germline.
Comment: This sequence change creates a premature translational stop signal (p.Gln568*) in the LZTR1 gene. It is expected to result in an absent or disrupted protein product. Loss-of-function variants in LZTR1 are known to be pathogenic (PMID: 24362817, 25335493, 25480913, 25795793, 29469822, 30368668, 30442762, 30442766, 30481304, 30859559). This variant is not present in population databases (gnomAD no frequency). This variant has not been reported in the literature in individuals affected with LZTR1-related conditions. ClinVar contains an entry for this variant (Variation ID: 1803401). For these reasons, this variant has been classified as Pathogenic.

GeneDx
Classification: Likely pathogenic. Last evaluated: 2022-06-07. Review status: criteria provided, single submitter. Criteria: GeneDx Variant Classification Process June 2021. Collection method: clinical testing. Allele origin: germline. Affected: yes.
Comment: Nonsense variant predicted to result in protein truncation or nonsense mediated decay in a gene for which loss of function is a known mechanism of disease; Not observed at significant frequency in large population cohorts (gnomAD); Has not been previously published as pathogenic or benign to our knowledge

Baylor Genetics
Classification: Likely pathogenic for LZTR1-related schwannomatosis. Last evaluated: 2022-06-05. Review status: criteria provided, single submitter. Criteria: ACMG Guidelines, 2015. Collection method: clinical testing. Allele origin: unknown.

Literature cited by the submitters: PubMed 24362817 (cited by Labcorp Genetics (formerly Invitae), Labcorp); PubMed 25335493 (cited by Labcorp Genetics (formerly Invitae), Labcorp); PubMed 25480913 (cited by Labcorp Genetics (formerly Invitae), Labcorp); PubMed 25795793 (cited by Labcorp Genetics (formerly Invitae), Labcorp); PubMed 29469822 (cited by Labcorp Genetics (formerly Invitae), Labcorp); PubMed 30368668 (cited by Labcorp Genetics (formerly Invitae), Labcorp); PubMed 30442762 (cited by Labcorp Genetics (formerly Invitae), Labcorp); PubMed 30442766 (cited by Labcorp Genetics (formerly Invitae), Labcorp); PubMed 30481304 (cited by Labcorp Genetics (formerly Invitae), Labcorp); PubMed 30859559 (cited by Labcorp Genetics (formerly Invitae), Labcorp).